The following is an entry in ClinVar:

ClinVar aggregate classification (germline): Uncertain significance. Review status: criteria provided, multiple submitters, no conflicts (2 of 4 stars). 2 submissions from 2 submitters: Uncertain significance (2). Last evaluated 2025-10-07.

gnomAD v4.1: 17 of 1,614,126 alleles (0.0011%); highest among the groups gnomAD compares: African/African-American, 0.021%; no homozygotes.

Submissions (2):

Labcorp Genetics (formerly Invitae), Labcorp
Classification: Uncertain significance. Last evaluated: 2025-10-07. Review status: criteria provided, single submitter. Criteria: Invitae Variant Classification Sherloc (09022015). Collection method: clinical testing. Allele origin: germline.
Comment: This sequence change replaces lysine, which is basic and polar, with glutamic acid, which is acidic and polar, at codon 427 of the MCM4 protein (p.Lys427Glu). This variant is present in population databases (rs368973139, gnomAD 0.02%). This variant has not been reported in the literature in individuals affected with MCM4-related conditions. ClinVar contains an entry for this variant (Variation ID: 3544217). Invitae Evidence Modeling of protein sequence and biophysical properties (such as structural, functional, and spatial information, amino acid conservation, physicochemical variation, residue mobility, and thermodynamic stability) indicates that this missense variant is not expected to disrupt MCM4 protein function with a negative predictive value of 80%. In summary, the available evidence is currently insufficient to determine the role of this variant in disease. Therefore, it has been classified as a Variant of Uncertain Significance.

Ambry Genetics
Classification: Uncertain significance. Last evaluated: 2024-08-14. Review status: criteria provided, single submitter. Criteria: Ambry Variant Classification Scheme 2023. Collection method: clinical testing. Allele origin: germline.

NM_182746.3(MCM4):c.1279A>G (p.Lys427Glu)

Gene: MCM4 (minichromosome maintenance complex component 4; plus strand). Cytogenetic location: 8q11.21.
Variant type: single nucleotide variant.
Coding change: c.1279A>G on transcript NM_182746.3 (MANE Select); coding-DNA position 1279, A replaced by G.
Protein change: p.Lys427Glu; replaces lysine 427 with glutamic acid.
Molecular consequence: missense variant.
Genome position (GRCh38, 1-based): chr8:47,969,902, A>G. VCF-style: chr8-47969902-A-G. GRCh37 (hg19) VCF-style: chr8-48882462-A-G.
Other names: c.1279A>G, p.Lys427Glu (NM_005914.4); short protein forms K427E.
Identifiers: ClinVar variation 3544217 (VCV003544217.2).